The following is an entry in ClinVar:

NM_002184.4(IL6ST):c.668A>G (p.Asn223Ser)

Gene: IL6ST (interleukin 6 cytokine family signal transducer; minus strand). Cytogenetic location: 5q11.2.
Variant type: single nucleotide variant.
Coding change: c.668A>G on transcript NM_002184.4 (MANE Select); coding-DNA position 668, A replaced by G.
Protein change: p.Asn223Ser; replaces asparagine 223 with serine.
Molecular consequence: missense variant. On other transcripts: 5 prime UTR variant (3), non-coding transcript variant (2).
Genome position (GRCh38, 1-based): chr5:55,963,497, T>C on the plus strand (A>G on the coding strand, the complement: IL6ST is on the minus strand). VCF-style: chr5-55963497-T-C. GRCh37 (hg19) VCF-style: chr5-55259325-T-C.
Other names: c.668A>G, p.Asn223Ser (NM_001190981.2, NM_001364275.2, NM_175767.3); c.458A>G, p.Asn153Ser (NM_001364276.2); c.-246A>G (NM_001364277.2, NM_001364279.2); c.-236A>G (NM_001364278.2); short protein forms N153S, N223S.
Identifiers: ClinVar variation 2894102 (VCV002894102.3), dbSNP rs199518876, ClinGen allele CA3271638.

ClinVar aggregate classification (germline): Uncertain significance (1 of 4 stars; one submission).

Allele frequency attached by ClinVar (database versions not stated): gnomAD 0.00001; TOPMed 0.00002; ExAC 0.00006; gnomAD exomes 0.00006.
gnomAD v4.1: 86 of 1,605,740 alleles (0.0054%); highest among the groups gnomAD compares: Non-Finnish European, 0.007%; no homozygotes.

Submission:

Labcorp Genetics (formerly Invitae), Labcorp
Classification: Uncertain significance. Last evaluated: 2023-09-09. Review status: criteria provided, single submitter. Criteria: Invitae Variant Classification Sherloc (09022015). Collection method: clinical testing. Allele origin: germline.
Comment: In summary, the available evidence is currently insufficient to determine the role of this variant in disease. Therefore, it has been classified as a Variant of Uncertain Significance. Algorithms developed to predict the effect of missense changes on protein structure and function output the following: SIFT: "Not Available"; PolyPhen-2: "Benign"; Align-GVGD: "Not Available". The serine amino acid residue is found in multiple mammalian species, which suggests that this missense change does not adversely affect protein function. This variant has not been reported in the literature in individuals affected with IL6ST-related conditions. This variant is present in population databases (rs199518876, gnomAD 0.009%). This sequence change replaces asparagine, which is neutral and polar, with serine, which is neutral and polar, at codon 223 of the IL6ST protein (p.Asn223Ser).